The following is an entry in ClinVar:

ClinVar aggregate classification (germline): Uncertain significance. Review status: criteria provided, multiple submitters, no conflicts (2 of 4 stars). 2 submissions from 2 submitters: Uncertain significance (2). Last evaluated 2025-12-04.

Conditions:
Inborn genetic diseases. Identifiers: MedGen C0950123, MeSH D030342.
ALG3-congenital disorder of glycosylation. Also called: CONGENITAL DISORDER OF GLYCOSYLATION, TYPE Id; CDG Id; CARBOHYDRATE-DEFICIENT GLYCOPROTEIN SYNDROME, TYPE IV; CDGS, TYPE IV; ALG3-CDG. Identifiers: Orphanet 79321, MedGen C1832736, MONDO:0010998, OMIM 601110.

Allele frequency attached by ClinVar (database versions not stated): ExAC 0.00001; gnomAD 0.00001; TOPMed 0.00001; gnomAD exomes 0.00003.
gnomAD v4.1: 51 of 1,606,182 alleles (0.0032%); highest among the groups gnomAD compares: Middle Eastern, 0.017%; no homozygotes.

Submissions (2):

Ambry Genetics
Classification: Uncertain significance for Inborn genetic diseases. Last evaluated: 2025-12-04. Review status: criteria provided, single submitter. Criteria: Ambry Variant Classification Scheme 2023. Collection method: clinical testing. Allele origin: germline.

Labcorp Genetics (formerly Invitae), Labcorp
Classification: Uncertain significance for ALG3-congenital disorder of glycosylation. Last evaluated: 2022-10-24. Review status: criteria provided, single submitter. Criteria: Invitae Variant Classification Sherloc (09022015). Collection method: clinical testing. Allele origin: germline.
Comment: This sequence change replaces cysteine, which is neutral and slightly polar, with glycine, which is neutral and non-polar, at codon 21 of the ALG3 protein (p.Cys21Gly). This variant is present in population databases (rs773806254, gnomAD 0.006%). This variant has not been reported in the literature in individuals affected with ALG3-related conditions. Algorithms developed to predict the effect of missense changes on protein structure and function (SIFT, PolyPhen-2, Align-GVGD) all suggest that this variant is likely to be tolerated. In summary, the available evidence is currently insufficient to determine the role of this variant in disease. Therefore, it has been classified as a Variant of Uncertain Significance.

NM_005787.6(ALG3):c.61T>G (p.Cys21Gly)

Gene: ALG3 (ALG3 alpha-1,3- mannosyltransferase; minus strand). Cytogenetic location: 3q27.1.
Variant type: single nucleotide variant.
Coding change: c.61T>G on transcript NM_005787.6 (MANE Select); coding-DNA position 61, T replaced by G.
Protein change: p.Cys21Gly; replaces cysteine 21 with glycine.
Molecular consequence: missense variant. On other transcripts: non-coding transcript variant (2), intron variant (1).
Genome position (GRCh38, 1-based): chr3:184,248,880, A>C on the plus strand (T>G on the coding strand, the complement: ALG3 is on the minus strand). VCF-style: chr3-184248880-A-C. GRCh37 (hg19) VCF-style: chr3-183966668-A-C.
Other names: c.-8T>G (NM_001006942.1); c.52+346T>G (NM_001006941.2); c.61T>G (NM_005787.5); short protein forms C21G.
Identifiers: ClinVar variation 1909972 (VCV001909972.6), dbSNP rs773806254, ClinGen allele CA2729659.